The following is an entry in ClinVar:

NM_004168.4(SDHA):c.1641G>A (p.Lys547=)

Gene: SDHA (succinate dehydrogenase complex flavoprotein subunit A; plus strand). Cytogenetic location: 5p15.33.
Variant type: single nucleotide variant.
Coding change: c.1641G>A on transcript NM_004168.4 (MANE Select); coding-DNA position 1641, G replaced by A.
Protein change: p.Lys547=; no amino-acid change (lysine 547 retained).
Molecular consequence: synonymous variant. On other transcripts: intron variant (1).
Genome position (GRCh38, 1-based): chr5:251,081, G>A. VCF-style: chr5-251081-G-A. GRCh37 (hg19) VCF-style: chr5-251196-G-A.
Other names: c.1497G>A, p.Lys499= (NM_001294332.2); c.1552-3312G>A (NM_001330758.2).
Identifiers: ClinVar variation 1777061 (VCV001777061.6), dbSNP rs1267429398, ClinGen allele CA442657306.

ClinVar aggregate classification (germline): Benign/Likely benign. Review status: criteria provided, multiple submitters, no conflicts (2 of 4 stars). 3 submissions from 3 submitters: Benign (1); Likely benign (2). Last evaluated 2025-03-10.

Conditions:
Mitochondrial complex II deficiency, nuclear type 1. Also called: SUCCINATE CoQ REDUCTASE DEFICIENCY. Identifiers: Orphanet 3208, MedGen C5700310, MONDO:0100294, OMIM 252011.
Pheochromocytoma/paraganglioma syndrome 5. Also called: Paragangliomas 5; SDHA-Related Hereditary Paraganglioma-Pheochromocytoma Syndrome. Identifiers: Orphanet 29072, MedGen C3279992, MONDO:0013602, OMIM 614165.
Hereditary cancer-predisposing syndrome. Also called: Tumor predisposition; Hereditary Cancer Syndrome; Hereditary neoplastic syndrome; Neoplastic Syndromes, Hereditary. Identifiers: Orphanet 140162, MedGen C0027672, MeSH D009386, MONDO:0015356.

Submissions (3):

Myriad Genetics, Inc.
Classification: Benign for Pheochromocytoma/paraganglioma syndrome 5. Last evaluated: 2025-03-10. Review status: criteria provided, single submitter. Criteria: Myriad Autosomal Dominant, Autosomal Recessive and X-Linked Classification Criteria (2023). Collection method: clinical testing. Allele origin: unknown.
Comment: This variant is considered benign. This variant is a silent/synonymous amino acid change and it is not expected to impact splicing.

Labcorp Genetics (formerly Invitae), Labcorp
Classification: Likely benign for Pheochromocytoma/paraganglioma syndrome 5; Mitochondrial complex II deficiency, nuclear type 1. Last evaluated: 2023-08-20. Review status: criteria provided, single submitter. Criteria: Invitae Variant Classification Sherloc (09022015). Collection method: clinical testing. Allele origin: germline.

Ambry Genetics
Classification: Likely benign for Hereditary cancer-predisposing syndrome. Last evaluated: 2020-11-19. Review status: criteria provided, single submitter. Criteria: Ambry Variant Classification Scheme 2023. Collection method: clinical testing. Allele origin: germline.